The following is an entry in ClinVar:

NM_001365999.1(SZT2):c.7129G>C (p.Ala2377Pro)

Gene: SZT2 (SZT2 subunit of KICSTOR complex; plus strand). Cytogenetic location: 1p34.2.
Variant type: single nucleotide variant.
Coding change: c.7129G>C on transcript NM_001365999.1 (MANE Select); coding-DNA position 7129, G replaced by C.
Protein change: p.Ala2377Pro; replaces alanine 2377 with proline.
Molecular consequence: missense variant.
Genome position (GRCh38, 1-based): chr1:43,439,967, G>C. VCF-style: chr1-43439967-G-C. GRCh37 (hg19) VCF-style: chr1-43905638-G-C.
Other names: c.6958G>C, p.Ala2320Pro (NM_015284.4); short protein forms A2377P, A2320P.
Identifiers: ClinVar variation 2202748 (VCV002202748.4), dbSNP rs1439652665, ClinGen allele CA340033459.

ClinVar aggregate classification (germline): Uncertain significance (1 of 4 stars; one submission).

Allele frequency attached by ClinVar (database versions not stated): TOPMed below 0.00001.

Submission:

Labcorp Genetics (formerly Invitae), Labcorp
Classification: Uncertain significance. Last evaluated: 2025-09-08. Review status: criteria provided, single submitter. Criteria: Invitae Variant Classification Sherloc (09022015). Collection method: clinical testing. Allele origin: germline.
Comment: This sequence change replaces alanine, which is neutral and non-polar, with proline, which is neutral and non-polar, at codon 2320 of the SZT2 protein (p.Ala2320Pro). This variant is not present in population databases (gnomAD no frequency). This missense change has been observed in individual(s) with developmental and epileptic encephalopathy (PMID: 29100083). In at least one individual the data is consistent with being in trans (on the opposite chromosome) from a pathogenic variant. ClinVar contains an entry for this variant (Variation ID: 2202748). Invitae Evidence Modeling of protein sequence and biophysical properties (such as structural, functional, and spatial information, amino acid conservation, physicochemical variation, residue mobility, and thermodynamic stability) indicates that this missense variant is expected to disrupt SZT2 protein function with a positive predictive value of 80%. In summary, the available evidence is currently insufficient to determine the role of this variant in disease. Therefore, it has been classified as a Variant of Uncertain Significance.

Literature cited by the submitters: PubMed 29100083.